The following is an entry in ClinVar:

ClinVar aggregate classification (germline): Uncertain significance. Review status: criteria provided, multiple submitters, no conflicts (2 of 4 stars). 2 submissions from 2 submitters: Uncertain significance (2). Last evaluated 2024-06-07.

Conditions:
Hereditary cancer-predisposing syndrome. Also called: Neoplastic Syndromes, Hereditary; Tumor predisposition; Hereditary neoplastic syndrome; Hereditary Cancer Syndrome. Identifiers: Orphanet 140162, MedGen C0027672, MeSH D009386, MONDO:0015356.

Allele frequency attached by ClinVar (database versions not stated): TOPMed below 0.00001; gnomAD 0.00001.
gnomAD v4.1: 1 of 1,613,958 alleles (0.000062%); highest among the groups gnomAD compares: African/African-American, 0.0013%; no homozygotes.

Submissions (2):

Ambry Genetics
Classification: Uncertain significance for Hereditary cancer-predisposing syndrome. Last evaluated: 2024-06-07. Review status: criteria provided, single submitter. Criteria: Ambry Variant Classification Scheme 2023. Collection method: clinical testing. Allele origin: germline.
Comment: The p.I260N variant (also known as c.779T>A), located in coding exon 2 of the HOXB13 gene, results from a T to A substitution at nucleotide position 779. The isoleucine at codon 260 is replaced by asparagine, an amino acid with dissimilar properties. This amino acid position is well conserved in available vertebrate species. In addition, this alteration is predicted to be deleterious by in silico analysis. Since supporting evidence is limited at this time, the clinical significance of this alteration remains unclear.

Labcorp Genetics (formerly Invitae), Labcorp
Classification: Uncertain significance. Last evaluated: 2023-11-10. Review status: criteria provided, single submitter. Criteria: Invitae Variant Classification Sherloc (09022015). Collection method: clinical testing. Allele origin: germline.
Comment: This sequence change replaces isoleucine, which is neutral and non-polar, with asparagine, which is neutral and polar, at codon 260 of the HOXB13 protein (p.Ile260Asn). This variant is present in population databases (no rsID available, gnomAD 0.01%). This variant has not been reported in the literature in individuals affected with HOXB13-related conditions. ClinVar contains an entry for this variant (Variation ID: 827259). Advanced modeling of protein sequence and biophysical properties (such as structural, functional, and spatial information, amino acid conservation, physicochemical variation, residue mobility, and thermodynamic stability) has been performed at Invitae for this missense variant, however the output from this modeling did not meet the statistical confidence thresholds required to predict the impact of this variant on HOXB13 protein function. In summary, the available evidence is currently insufficient to determine the role of this variant in disease. Therefore, it has been classified as a Variant of Uncertain Significance.

NM_006361.6(HOXB13):c.779T>A (p.Ile260Asn)

Gene: HOXB13 (homeobox B13; minus strand). Cytogenetic location: 17q21.32.
Variant type: single nucleotide variant.
Coding change: c.779T>A on transcript NM_006361.6 (MANE Select); coding-DNA position 779, T replaced by A.
Protein change: p.Ile260Asn; replaces isoleucine 260 with asparagine.
Molecular consequence: missense variant.
Genome position (GRCh38, 1-based): chr17:48,726,866, A>T on the plus strand (T>A on the coding strand, the complement: HOXB13 is on the minus strand). VCF-style: chr17-48726866-A-T. GRCh37 (hg19) VCF-style: chr17-46804228-A-T.
Other names: short protein forms I260N.
Identifiers: ClinVar variation 827259 (VCV000827259.13), dbSNP rs1269018676, ClinGen allele CA400105801.